The following is an entry in ClinVar:

NM_001367624.2(ZNF469):c.3806C>A (p.Pro1269Gln)

Gene: ZNF469 (zinc finger protein 469; plus strand). Cytogenetic location: 16q24.2.
Variant type: single nucleotide variant.
Coding change: c.3806C>A on transcript NM_001367624.2 (MANE Select); coding-DNA position 3806, C replaced by A.
Protein change: p.Pro1269Gln; replaces proline 1269 with glutamine.
Molecular consequence: missense variant.
Genome position (GRCh38, 1-based): chr16:88,431,276, C>A. VCF-style: chr16-88431276-C-A. GRCh37 (hg19) VCF-style: chr16-88497684-C-A.
Other names: short protein forms P1269Q.
Identifiers: ClinVar variation 2807935 (VCV002807935.3), dbSNP rs1173412183, ClinGen allele CA397087075.

ClinVar aggregate classification (germline): Uncertain significance (1 of 4 stars; one submission).

Submission:

Labcorp Genetics (formerly Invitae), Labcorp
Classification: Uncertain significance. Last evaluated: 2024-01-01. Review status: criteria provided, single submitter. Criteria: Invitae Variant Classification Sherloc (09022015). Collection method: clinical testing. Allele origin: germline.
Comment: This sequence change replaces proline, which is neutral and non-polar, with glutamine, which is neutral and polar, at codon 1241 of the ZNF469 protein (p.Pro1241Gln). This variant is not present in population databases (gnomAD no frequency). This variant has not been reported in the literature in individuals affected with ZNF469-related conditions. Algorithms developed to predict the effect of missense changes on protein structure and function output the following: SIFT: "Not Available"; PolyPhen-2: "Benign"; Align-GVGD: "Not Available". The glutamine amino acid residue is found in multiple mammalian species, which suggests that this missense change does not adversely affect protein function. In summary, the available evidence is currently insufficient to determine the role of this variant in disease. Therefore, it has been classified as a Variant of Uncertain Significance.